The following is an entry in ClinVar:

NM_018671.5(UNC45A):c.1775C>T (p.Ala592Val)

Gene: UNC45A (unc-45 myosin chaperone A; plus strand). Cytogenetic location: 15q26.1.
Variant type: single nucleotide variant.
Coding change: c.1775C>T on transcript NM_018671.5 (MANE Select); coding-DNA position 1775, C replaced by T.
Protein change: p.Ala592Val; replaces alanine 592 with valine.
Molecular consequence: missense variant.
Genome position (GRCh38, 1-based): chr15:90,948,691, C>T. VCF-style: chr15-90948691-C-T. GRCh37 (hg19) VCF-style: chr15-91491921-C-T.
Other names: c.1730C>T, p.Ala577Val (NM_001039675.2, NM_001323621.2); c.1775C>T, p.Ala592Val (NM_001323619.1); c.1340C>T, p.Ala447Val (NM_001323620.2); c.1775C>T (NM_018671.3); short protein forms A577V, A592V, A447V.
Identifiers: ClinVar variation 1422434 (VCV001422434.6), dbSNP rs374735140, ClinGen allele CA7743061.

ClinVar aggregate classification (germline): Uncertain significance. Review status: criteria provided, multiple submitters, no conflicts (2 of 4 stars). 2 submissions from 2 submitters: Uncertain significance (2). Last evaluated 2025-06-19.

Conditions:
Inborn genetic diseases. Identifiers: MedGen C0950123, MeSH D030342.

Allele frequency attached by ClinVar (database versions not stated): gnomAD exomes below 0.00001 and 0.00001; ExAC 0.00002; gnomAD 0.00003; ESP Exome Variant Server 0.00008.
gnomAD v4.1: 11 of 1,613,920 alleles (0.00068%); highest among the groups gnomAD compares: Middle Eastern, 0.016%; no homozygotes.

Submissions (2):

Labcorp Genetics (formerly Invitae), Labcorp
Classification: Uncertain significance. Last evaluated: 2025-06-19. Review status: criteria provided, single submitter. Criteria: Invitae Variant Classification Sherloc (09022015). Collection method: clinical testing. Allele origin: germline.
Comment: This sequence change replaces alanine, which is neutral and non-polar, with valine, which is neutral and non-polar, at codon 592 of the UNC45A protein (p.Ala592Val). This variant is present in population databases (rs374735140, gnomAD 0.01%). This variant has not been reported in the literature in individuals affected with UNC45A-related conditions. ClinVar contains an entry for this variant (Variation ID: 1422434). Invitae Evidence Modeling of protein sequence and biophysical properties (such as structural, functional, and spatial information, amino acid conservation, physicochemical variation, residue mobility, and thermodynamic stability) indicates that this missense variant is not expected to disrupt UNC45A protein function with a negative predictive value of 80%. In summary, the available evidence is currently insufficient to determine the role of this variant in disease. Therefore, it has been classified as a Variant of Uncertain Significance.

Ambry Genetics
Classification: Uncertain significance for Inborn genetic diseases. Last evaluated: 2023-09-20. Review status: criteria provided, single submitter. Criteria: Ambry Variant Classification Scheme 2023. Collection method: clinical testing. Allele origin: germline.